The following is an entry in ClinVar:

ClinVar aggregate classification (germline): Uncertain significance (1 of 4 stars; one submission).

Allele frequency attached by ClinVar (database versions not stated): gnomAD exomes below 0.00001.
gnomAD v4.1: 3 of 1,614,022 alleles (0.00019%); highest among the groups gnomAD compares: Non-Finnish European, 0.00025%; no homozygotes.

Submission:

Labcorp Genetics (formerly Invitae), Labcorp
Classification: Uncertain significance. Last evaluated: 2023-09-19. Review status: criteria provided, single submitter. Criteria: Invitae Variant Classification Sherloc (09022015). Collection method: clinical testing. Allele origin: germline.
Comment: This sequence change replaces isoleucine, which is neutral and non-polar, with valine, which is neutral and non-polar, at codon 2998 of the SRCAP protein (p.Ile2998Val). This variant is not present in population databases (gnomAD no frequency). This variant has not been reported in the literature in individuals affected with SRCAP-related conditions. Advanced modeling of protein sequence and biophysical properties (such as structural, functional, and spatial information, amino acid conservation, physicochemical variation, residue mobility, and thermodynamic stability) performed at Invitae indicates that this missense variant is not expected to disrupt SRCAP protein function. In summary, the available evidence is currently insufficient to determine the role of this variant in disease. Therefore, it has been classified as a Variant of Uncertain Significance.

NM_006662.3(SRCAP):c.8992A>G (p.Ile2998Val)

Gene: SRCAP (Snf2 related CREBBP activator protein; plus strand). Cytogenetic location: 16p11.2.
Variant type: single nucleotide variant.
Coding change: c.8992A>G on transcript NM_006662.3 (MANE Select); coding-DNA position 8992, A replaced by G.
Protein change: p.Ile2998Val; replaces isoleucine 2998 with valine.
Molecular consequence: missense variant.
Genome position (GRCh38, 1-based): chr16:30,739,032, A>G. VCF-style: chr16-30739032-A-G. GRCh37 (hg19) VCF-style: chr16-30750353-A-G.
Other names: short protein forms I2998V.
Identifiers: ClinVar variation 2761682 (VCV002761682.3), dbSNP rs2543430171, ClinGen allele CA395642239.